The following is an entry in ClinVar:

ClinVar aggregate classification (germline): Uncertain significance. Review status: criteria provided, multiple submitters, no conflicts (2 of 4 stars). 2 submissions from 2 submitters: Uncertain significance (2). Last evaluated 2026-08-06.

Conditions:
Developmental and epileptic encephalopathy, 81. Also called: EPILEPTIC ENCEPHALOPATHY, EARLY INFANTILE, 81. Identifiers: MedGen C5231450, MONDO:0032858, OMIM 618663.

Allele frequency attached by ClinVar (database versions not stated): gnomAD 0.00002; gnomAD exomes 0.00005; ExAC 0.00002; TOPMed 0.00001.
gnomAD v4.1: 78 of 1,613,232 alleles (0.0048%); highest among the groups gnomAD compares: Non-Finnish European, 0.0061%; no homozygotes.

Submissions (2):

OLLIN Analises Genomicas, OLLIN
Classification: Uncertain significance for Developmental and epileptic encephalopathy, 81. Last evaluated: 2026-08-06. Review status: criteria provided, single submitter. Criteria: ACMG Guidelines 2015 PMID 25741868. Collection method: clinical testing. Allele origin: germline. Inheritance: Autosomal dominant inheritance.
Comment: This missense variant, located in exon 22 (of 44), has been reported in ClinVar (accession VCV002183571.3) and in gnomAD with an allele frequency of 0.0048%. However, to our knowledge, it has not been reported in the scientific literature. In silico analysis is inconclusive regarding the impact of this variant. According to the currently available evidence, this variant has been classified as uncertain significance (PM2_P).

Labcorp Genetics (formerly Invitae), Labcorp
Classification: Uncertain significance. Last evaluated: 2024-02-24. Review status: criteria provided, single submitter. Criteria: Invitae Variant Classification Sherloc (09022015). Collection method: clinical testing. Allele origin: germline.
Comment: This sequence change replaces arginine, which is basic and polar, with glutamine, which is neutral and polar, at codon 1705 of the DMXL2 protein (p.Arg1705Gln). This variant is present in population databases (rs766430660, gnomAD 0.003%). This variant has not been reported in the literature in individuals affected with DMXL2-related conditions. ClinVar contains an entry for this variant (Variation ID: 2183571). An algorithm developed to predict the effect of missense changes on protein structure and function (PolyPhen-2) suggests that this variant is likely to be disruptive. In summary, the available evidence is currently insufficient to determine the role of this variant in disease. Therefore, it has been classified as a Variant of Uncertain Significance.

NM_001378457.1(DMXL2):c.5114G>A (p.Arg1705Gln)

Gene: DMXL2 (Dmx like 2; minus strand). Cytogenetic location: 15q21.2.
Variant type: single nucleotide variant.
Coding change: c.5114G>A on transcript NM_001378457.1 (MANE Select); coding-DNA position 5114, G replaced by A.
Protein change: p.Arg1705Gln; replaces arginine 1705 with glutamine.
Molecular consequence: missense variant. On other transcripts: non-coding transcript variant (2).
Genome position (GRCh38, 1-based): chr15:51,488,057, C>T on the plus strand (G>A on the coding strand, the complement: DMXL2 is on the minus strand). VCF-style: chr15-51488057-C-T. GRCh37 (hg19) VCF-style: chr15-51780254-C-T.
Other names: c.5114G>A, p.Arg1705Gln (NM_001174116.3, NM_001378458.1, NM_001378459.1 and 4 more transcripts); c.3206G>A, p.Arg1069Gln (NM_001174117.3); c.3095G>A, p.Arg1032Gln (NM_001378460.1); c.4874G>A, p.Arg1625Gln (NM_001378464.1); short protein forms R1032Q, R1069Q, R1705Q, R1625Q.
Identifiers: ClinVar variation 2183571 (VCV002183571.4), dbSNP rs766430660, ClinGen allele CA7561859.
Genomic context (GRCh38, chr15:51,488,057, plus strand): 5'-GCCGATTGTTCAAAGCGTTGTTTTCCAAGTAAGGAAAAAGCATTTTTCAAAGCAGCTTTT[C>T]GCCATCTATCTTCATTAAAGTTGTGGCTGAAAAATGTTGTCATTTTTTCATCATGCTGTG-3'
Protein context (NP_001365386.1, residues 1695-1715): FSHNFNEDRW[Arg1705Gln]KAALKNAFSL